The following is an entry in ClinVar:

NM_198525.3(KIF7):c.2131C>T (p.Arg711Trp)

Gene: KIF7 (kinesin family member 7; minus strand). Cytogenetic location: 15q26.1.
Variant type: single nucleotide variant.
Coding change: c.2131C>T on transcript NM_198525.3 (MANE Select); coding-DNA position 2131, C replaced by T.
Protein change: p.Arg711Trp; replaces arginine 711 with tryptophan.
Molecular consequence: missense variant.
Genome position (GRCh38, 1-based): chr15:89,645,073, G>A on the plus strand (C>T on the coding strand, the complement: KIF7 is on the minus strand). VCF-style: chr15-89645073-G-A. GRCh37 (hg19) VCF-style: chr15-90188304-G-A.
Other names: short protein forms R711W.
Identifiers: ClinVar variation 531997 (VCV000531997.8), dbSNP rs1255667027, ClinGen allele CA393763713.

ClinVar aggregate classification (germline): Uncertain significance. Review status: criteria provided, multiple submitters, no conflicts (2 of 4 stars). 2 submissions from 2 submitters: Uncertain significance (2). Last evaluated 2022-07-01.

Conditions:
Acrocallosal syndrome (ACLS). Also called: Schinzel syndrome 1; Absence of corpus callosum with unusual facial appearance, mental deficiency, duplication of the halluces and polydactyly; HALLUX DUPLICATION, POSTAXIAL POLYDACTYLY, AND ABSENCE OF CORPUS CALLOSUM. Identifiers: Orphanet 36, MedGen C0796147, MONDO:0008708, OMIM 200990.

Allele frequency attached by ClinVar (database versions not stated): gnomAD 0.00001 and 0.00002; gnomAD exomes 0.00002; TOPMed 0.00002.
gnomAD v4.1: 31 of 1,605,408 alleles (0.0019%); highest among the groups gnomAD compares: East Asian, 0.0045%; no homozygotes.

Submissions (2):

Labcorp Genetics (formerly Invitae), Labcorp
Classification: Uncertain significance for Acrocallosal syndrome. Last evaluated: 2022-07-01. Review status: criteria provided, single submitter. Criteria: Invitae Variant Classification Sherloc (09022015). Collection method: clinical testing. Allele origin: germline.
Comment: This sequence change replaces arginine, which is basic and polar, with tryptophan, which is neutral and slightly polar, at codon 711 of the KIF7 protein (p.Arg711Trp). This variant is present in population databases (no rsID available, gnomAD 0.006%). This variant has not been reported in the literature in individuals affected with KIF7-related conditions. ClinVar contains an entry for this variant (Variation ID: 531997). Algorithms developed to predict the effect of missense changes on protein structure and function are either unavailable or do not agree on the potential impact of this missense change (SIFT: "Deleterious"; PolyPhen-2: "Probably Damaging"; Align-GVGD: "Class C0"). In summary, the available evidence is currently insufficient to determine the role of this variant in disease. Therefore, it has been classified as a Variant of Uncertain Significance.

Blueprint Genetics
Classification: Uncertain significance. Last evaluated: 2020-08-13. Review status: criteria provided, single submitter. Criteria: ACMG Guidelines, 2015. Collection method: clinical testing. Allele origin: germline.